The following is an entry in ClinVar:

NM_001267550.2(TTN):c.17209G>A (p.Glu5737Lys)

Genes: TTN (titin; minus strand), LOC126806431 (CDK7 strongly-dependent group 2 enhancer GRCh37_chr2:179595719-179596918; plus strand). Cytogenetic location: 2q31.2.
Variant type: single nucleotide variant.
Coding change: c.17209G>A on transcript NM_001267550.2 (MANE Select); coding-DNA position 17209, G replaced by A.
Protein change: p.Glu5737Lys; replaces glutamic acid 5737 with lysine.
Molecular consequence: missense variant. On other transcripts: intron variant (3).
Genome position (GRCh38, 1-based): chr2:178,731,557, C>T on the plus strand (G>A on the coding strand, the complement: TTN is on the minus strand). VCF-style: chr2-178731557-C-T. GRCh37 (hg19) VCF-style: chr2-179596284-C-T.
Other names: c.16258G>A, p.Glu5420Lys (NM_001256850.1); c.13477G>A, p.Glu4493Lys (NM_133378.4); c.13282+6525G>A (NM_003319.4); c.13858+6525G>A (NM_133437.4); c.13657+6525G>A (NM_133432.3); short protein forms E4493K, E5420K, E5737K.
Identifiers: ClinVar variation 3252215 (VCV003252215.2), dbSNP rs575592774.

ClinVar aggregate classification (germline): Uncertain significance. Review status: criteria provided, multiple submitters, no conflicts (2 of 4 stars). 2 submissions from 2 submitters: Uncertain significance (2). Last evaluated 2026-02-17.

Conditions:
TTN-related disorder. Also called: TTN-related disorders; TTN-related condition; TTN-related disease.

Allele frequency attached by ClinVar (database versions not stated): gnomAD 0.00003; TOPMed 0.00003; 1000 Genomes Project 30x 0.00016; 1000 Genomes Project 0.00020.
gnomAD v4.1: 13 of 1,608,106 alleles (0.00081%); highest among the groups gnomAD compares: African/African-American, 0.0067%; no homozygotes.

Submissions (2):

PreventionGenetics, part of Exact Sciences
Classification: Uncertain significance for TTN-related condition. Last evaluated: 2026-02-17. Review status: criteria provided, single submitter. Criteria: ACMG Guidelines, 2015. Collection method: clinical testing. Allele origin: germline.
Comment: The TTN c.17209G>A variant is predicted to result in the amino acid substitution p.Glu5737Lys. To our knowledge, this variant has not been reported in the literature. This variant is reported in 0.013% of alleles in individuals of African descent in gnomAD. At this time, the clinical significance of this variant is uncertain due to the absence of conclusive functional and genetic evidence.

GeneDx
Classification: Uncertain significance. Last evaluated: 2024-07-12. Review status: criteria provided, single submitter. Criteria: GeneDx Variant Classification Process June 2021. Collection method: clinical testing. Allele origin: germline. Affected: yes.
Comment: Not observed at significant frequency in large population cohorts (gnomAD); Missense variant in a gene in which most reported pathogenic variants are truncating/loss of function; Has not been previously published as pathogenic or benign to our knowledge